The following is an entry in ClinVar:

NM_152594.3(SPRED1):c.1259A>G (p.Tyr420Cys)

Gene: SPRED1 (sprouty related EVH1 domain containing 1; plus strand). Cytogenetic location: 15q14.
Variant type: single nucleotide variant.
Coding change: c.1259A>G on transcript NM_152594.3 (MANE Select); coding-DNA position 1259, A replaced by G.
Protein change: p.Tyr420Cys; replaces tyrosine 420 with cysteine.
Molecular consequence: missense variant.
Genome position (GRCh38, 1-based): chr15:38,351,588, A>G. VCF-style: chr15-38351588-A-G. GRCh37 (hg19) VCF-style: chr15-38643789-A-G.
Other names: short protein forms Y420C.
Identifiers: ClinVar variation 3632327 (VCV003632327.2).

ClinVar aggregate classification (germline): Uncertain significance (1 of 4 stars; one submission).

Conditions:
Legius syndrome. Identifiers: Orphanet 137605, MedGen C1969623, MONDO:0012669, OMIM 611431. Disease mechanism: loss of function.

Submission:

Labcorp Genetics (formerly Invitae), Labcorp
Classification: Uncertain significance for Legius syndrome. Last evaluated: 2024-06-25. Review status: criteria provided, single submitter. Criteria: Invitae Variant Classification Sherloc (09022015). Collection method: clinical testing. Allele origin: germline.
Comment: This sequence change replaces tyrosine, which is neutral and polar, with cysteine, which is neutral and slightly polar, at codon 420 of the SPRED1 protein (p.Tyr420Cys). This variant is not present in population databases (gnomAD no frequency). This variant has not been reported in the literature in individuals affected with SPRED1-related conditions. Advanced modeling of protein sequence and biophysical properties (such as structural, functional, and spatial information, amino acid conservation, physicochemical variation, residue mobility, and thermodynamic stability) performed at Invitae indicates that this missense variant is expected to disrupt SPRED1 protein function with a positive predictive value of 80%. In summary, the available evidence is currently insufficient to determine the role of this variant in disease. Therefore, it has been classified as a Variant of Uncertain Significance.